The following is an entry in ClinVar:

ClinVar aggregate classification (germline): Pathogenic. Review status: reviewed by expert panel (3 of 4 stars). 3 submissions from 3 submitters: Pathogenic (1). 2 of the submissions do not count toward it. Last evaluated 2023-08-04.

Conditions:
CDH1-related diffuse gastric and lobular breast cancer syndrome. Also called: CDH1-related diffuse gastric and lobular breast cancer. Identifiers: MedGen CN311521, MONDO:0100488.
Hereditary cancer-predisposing syndrome. Also called: Tumor predisposition; Neoplastic Syndromes, Hereditary; Hereditary Cancer Syndrome; Hereditary neoplastic syndrome. Identifiers: Orphanet 140162, MedGen C0027672, MeSH D009386, MONDO:0015356.
Hereditary diffuse gastric adenocarcinoma (HDGC). Also called: DIFFUSE GASTRIC AND LOBULAR BREAST CANCER SYNDROME. Identifiers: Orphanet 26106, MedGen C1708349, MONDO:0007648, OMIM 137215.

Submissions (3):

Clingen Gastric Cancer Variant Curation Expert Panel
Classification: Pathogenic for CDH1-related diffuse gastric and lobular breast cancer syndrome. Last evaluated: 2023-08-04. Review status: reviewed by expert panel. Criteria: ClinGen CDH1 ACMG Specifications V3.1. Collection method: curation. Allele origin: germline. Inheritance: Autosomal dominant inheritance.
Comment: The c.2324delG (p.Gly775Alafs) variant is predicted to result in a premature stop codon that leads to nonsense mediate decay (PVS1 and PM5_supporting). The variant is absent in the gnomAD cohort (PM2_supporting). Therefore, this variant meets criteria to be classified as pathogenic based on the ACMG/AMP criteria applied as specified by the CDH1 Variant Curation Expert Panel (CDH1 VCEP specifications version 3.1): PVS1, PM2_supporting, PM5_supporting.

Labcorp Genetics (formerly Invitae), Labcorp
Classification: Pathogenic for Hereditary diffuse gastric adenocarcinoma. Last evaluated: 2019-10-19. Review status: criteria provided, single submitter. Criteria: Invitae Variant Classification Sherloc (09022015). Collection method: clinical testing. Allele origin: germline. Not counted in ClinVar's aggregate classification.
Comment: This sequence change creates a premature translational stop signal (p.Gly775Alafs*8) in the CDH1 gene. It is expected to result in an absent or disrupted protein product. This variant is not present in population databases (ExAC no frequency). This variant has not been reported in the literature in individuals with CDH1-related conditions. ClinVar contains an entry for this variant (Variation ID: 406669) Loss-of-function variants in CDH1 are known to be pathogenic (PMID: 15235021, 20373070). For these reasons, this variant has been classified as Pathogenic.

Ambry Genetics
Classification: Pathogenic for Hereditary cancer-predisposing syndrome. Last evaluated: 2014-07-24. Review status: criteria provided, single submitter. Criteria: Ambry Variant Classification Scheme 2023. Collection method: clinical testing. Allele origin: germline. Not counted in ClinVar's aggregate classification.
Comment: The c.2324delG pathogenic mutation, located in coding exon 15 of the CDH1 gene, results from a deletion of one nucleotide at position 2324, causing a translational frameshift with a predicted alternate stop codon. Since frameshifts are typically deleterious in nature, this alteration is interpreted as a disease-causing mutation (ACMG Recommendations for Standards for Interpretation and Reporting of Sequence Variations. Revision 2007. Genet Med. 2008;10:294).

Literature cited by the submitters: PubMed 15235021 (cited by Labcorp Genetics (formerly Invitae), Labcorp); PubMed 20373070 (cited by Labcorp Genetics (formerly Invitae), Labcorp).

NM_004360.5(CDH1):c.2324del (p.Gly775fs)

Gene: CDH1 (cadherin 1; plus strand). Cytogenetic location: 16q22.1.
Variant type: Deletion.
Coding change: c.2324del on transcript NM_004360.5 (MANE Select); coding-DNA position 2324, one base deleted (G; older notation c.2324delG).
Protein change: p.Gly775fs; shifts the reading frame from glycine 775.
Molecular consequence: frameshift variant.
Genome position (GRCh38, 1-based): chr16:68,829,682, G deleted; the last of 4 consecutive G bases (chr16:68,829,679-68,829,682); deleting any one gives the same sequence. VCF-style (leftmost placement, unchanged base first): chr16-68829678-AG-A. GRCh37 (hg19) VCF-style: chr16-68863581-AG-A.
Other names: c.2141del, p.Gly714fs (NM_001317184.2); c.776del, p.Gly259fs (NM_001317185.2); c.359del, p.Gly120fs (NM_001317186.2); c.2324del (LRG_301t1, NM_004360.3); short protein forms G259fs, G714fs, G120fs, G775fs.
Identifiers: ClinVar variation 406669 (VCV000406669.15), dbSNP rs1060501248, ClinGen allele CA16615415.